The following is an entry in ClinVar:

ClinVar aggregate classification (germline): Uncertain significance (1 of 4 stars; one submission).

Submission:

Ambry Genetics
Classification: Uncertain significance. Last evaluated: 2023-04-19. Review status: criteria provided, single submitter. Criteria: Ambry Variant Classification Scheme 2023. Collection method: clinical testing. Allele origin: germline.
Comment: The p.G428R variant (also known as c.1282G>C), located in coding exon 3 of the ALPK2 gene, results from a G to C substitution at nucleotide position 1282. The glycine at codon 428 is replaced by arginine, an amino acid with dissimilar properties. This amino acid position is conserved. In addition, this alteration is predicted to be tolerated by in silico analysis. Since supporting evidence is limited at this time, the clinical significance of this alteration remains unclear.

NM_052947.4(ALPK2):c.1282G>C (p.Gly428Arg)

Gene: ALPK2 (alpha kinase 2; minus strand). Cytogenetic location: 18q21.31.
Variant type: single nucleotide variant.
Coding change: c.1282G>C on transcript NM_052947.4 (MANE Select); coding-DNA position 1282, G replaced by C.
Protein change: p.Gly428Arg; replaces glycine 428 with arginine.
Molecular consequence: missense variant.
Genome position (GRCh38, 1-based): chr18:58,579,494, C>G on the plus strand (G>C on the coding strand, the complement: ALPK2 is on the minus strand). VCF-style: chr18-58579494-C-G. GRCh37 (hg19) VCF-style: chr18-56246726-C-G.
Other names: short protein forms G428R.
Identifiers: ClinVar variation 2564057 (VCV002564057.2), dbSNP rs2518899221, ClinGen allele CA402563687.
Genomic context (GRCh38, chr18:58,579,494, plus strand): 5'-TCCCCTGTTCTGTCACTGAAGACGTTCCATCCTGGTGAGGTCCCAAAATGAGAGTCATCC[C>G]TGTTTGTGGGGATGAGGGACCGTGCTTGGAGACTCTGCTGCTCCTCACCCCAACTTCTTG-3'
Protein context (NP_443179.3, residues 418-438): SKHGPSSPQT[Gly428Arg]MTLILGPHQD